The following is an entry in ClinVar:

NM_020318.3(PAPPA2):c.3754C>T (p.Gln1252Ter)

Gene: PAPPA2 (pappalysin 2; plus strand). Cytogenetic location: 1q25.2.
Variant type: single nucleotide variant.
Coding change: c.3754C>T on transcript NM_020318.3 (MANE Select); coding-DNA position 3754, C replaced by T.
Protein change: p.Gln1252Ter; replaces glutamine 1252 with a stop codon.
Molecular consequence: nonsense.
Genome position (GRCh38, 1-based): chr1:176,711,937, C>T. VCF-style: chr1-176711937-C-T. GRCh37 (hg19) VCF-style: chr1-176681073-C-T.
Other names: short protein forms Q1252*.
Identifiers: ClinVar variation 2165523 (VCV002165523.1), dbSNP rs1164296221, ClinGen allele CA343502810.
Genomic context (GRCh38, chr1:176,711,937, plus strand): 5'-CTAACTGGCTGGTTTCCCTGTGTTGCCAGTGAAAATGAAACTCAGGATGACAGGAGTGAA[C>T]AGCCAGAAGGTAGCCTGAAGAAAGAGGATGAGGTTTGGCTCAAAGTAAGTGGCCCAAATG-3'

ClinVar aggregate classification (germline): Pathogenic (1 of 4 stars; one submission).

Allele frequency attached by ClinVar (database versions not stated): gnomAD 0.00001.
gnomAD v4.1: 2 of 1,613,644 alleles (0.00012%); highest among the groups gnomAD compares: Admixed American, 0.0033%; no homozygotes.

Submission:

Labcorp Genetics (formerly Invitae), Labcorp
Classification: Pathogenic. Last evaluated: 2022-07-18. Review status: criteria provided, single submitter. Criteria: Invitae Variant Classification Sherloc (09022015). Collection method: clinical testing. Allele origin: germline.
Comment: This sequence change creates a premature translational stop signal (p.Gln1252*) in the PAPPA2 gene. It is expected to result in an absent or disrupted protein product. Loss-of-function variants in PAPPA2 are known to be pathogenic (PMID: 26902202, 30977789). This variant is present in population databases (no rsID available, gnomAD 0.003%). This variant has not been reported in the literature in individuals affected with PAPPA2-related conditions. For these reasons, this variant has been classified as Pathogenic.

Literature cited by the submitters: PubMed 26902202; PubMed 30977789.